The following is an entry in ClinVar:

NM_173660.5(DOK7):c.619A>C (p.Lys207Gln)

Gene: DOK7 (docking protein 7; plus strand). Cytogenetic location: 4p16.3.
Variant type: single nucleotide variant.
Coding change: c.619A>C on transcript NM_173660.5 (MANE Select); coding-DNA position 619, A replaced by C.
Protein change: p.Lys207Gln; replaces lysine 207 with glutamine.
Molecular consequence: missense variant. On other transcripts: 5 prime UTR variant (1).
Genome position (GRCh38, 1-based): chr4:3,485,625, A>C. VCF-style: chr4-3485625-A-C. GRCh37 (hg19) VCF-style: chr4-3487352-A-C.
Other names: c.608A>C, p.Gln203Pro (NM_001164673.2); c.-312A>C (NM_001256896.2); c.619A>C, p.Lys207Gln (NM_001301071.2); c.187A>C, p.Lys63Gln (NM_001363811.2); short protein forms K207Q, K63Q, Q203P.
Identifiers: ClinVar variation 534123 (VCV000534123.6), dbSNP rs1240579533, ClinGen allele CA356115075.

ClinVar aggregate classification (germline): Uncertain significance (1 of 4 stars; one submission).

Conditions:
Fetal akinesia deformation sequence 1 (FADS1). Also called: Fetal akinesia sequence; Pena-Shokeir syndrome type I. Identifiers: Orphanet 994, MedGen C1276035, MONDO:0100101, OMIM 208150, HP:0001989.
Congenital myasthenic syndrome 10. Also called: Myasthenia, limb-girdle, familial. Identifiers: Orphanet 590, MedGen C1850792, MONDO:0009690, OMIM 254300.

Submission:

Labcorp Genetics (formerly Invitae), Labcorp
Classification: Uncertain significance for Congenital myasthenic syndrome 10; Fetal akinesia deformation sequence 1. Last evaluated: 2021-08-27. Review status: criteria provided, single submitter. Criteria: Invitae Variant Classification Sherloc (09022015). Collection method: clinical testing. Allele origin: germline.
Comment: This sequence change replaces lysine with glutamine at codon 207 of the DOK7 protein (p.Lys207Gln). The lysine residue is moderately conserved and there is a small physicochemical difference between lysine and glutamine. This variant is not present in population databases (ExAC no frequency). This variant has not been reported in the literature in individuals affected with DOK7-related conditions. Algorithms developed to predict the effect of missense changes on protein structure and function are either unavailable or do not agree on the potential impact of this missense change (SIFT: "Deleterious"; PolyPhen-2: "Benign"; Align-GVGD: "Class C0"). Algorithms developed to predict the effect of sequence changes on RNA splicing suggest that this variant may create or strengthen a splice site. In summary, the available evidence is currently insufficient to determine the role of this variant in disease. Therefore, it has been classified as a Variant of Uncertain Significance.